The following is an entry in ClinVar:

NM_002500.5(NEUROD1):c.904C>T (p.His302Tyr)

Gene: NEUROD1 (neuronal differentiation 1; minus strand). Cytogenetic location: 2q31.3.
Variant type: single nucleotide variant.
Coding change: c.904C>T on transcript NM_002500.5 (MANE Select); coding-DNA position 904, C replaced by T.
Protein change: p.His302Tyr; replaces histidine 302 with tyrosine.
Molecular consequence: missense variant.
Genome position (GRCh38, 1-based): chr2:181,677,957, G>A on the plus strand (C>T on the coding strand, the complement: NEUROD1 is on the minus strand). VCF-style: chr2-181677957-G-A. GRCh37 (hg19) VCF-style: chr2-182542684-G-A.
Other names: short protein forms H302Y.
Identifiers: ClinVar variation 4279896 (VCV004279896.1).

ClinVar aggregate classification (germline): Uncertain significance (1 of 4 stars; one submission).

Conditions:
Type 2 diabetes mellitus. Also called: Type II diabetes mellitus. Identifiers: MedGen C0011860, MeSH D003924, MONDO:0005148, OMIM 125853, HP:0005978.

gnomAD v4.1: 1 of 1,614,216 alleles (0.000062%); highest among the groups gnomAD compares: Non-Finnish European, 0.000085%; no homozygotes.

Submission:

Clinical Genomics Laboratory, Washington University in St. Louis
Classification: Uncertain significance for Type 2 diabetes mellitus. Last evaluated: 2025-09-02. Review status: criteria provided, single submitter. Criteria: ACMG Guidelines, 2015. Collection method: clinical testing. Allele origin: germline.
Comment: The NEUROD1 c.904C>T (p.His302Tyr) variant, to our knowledge, has not been reported in the medical literature and is absent from the general population (gnomAD v.2.1.1), indicating it is not a common variant. Computational predictors indicate that the variant is damaging, evidence that correlates with impact to NEUROD1 function. Due to limited information, and based on ACMG/AMP guidelines for variant interpretation (Richards S et al., PMID: 25741868), the clinical significance of this variant is uncertain at this time.